The following is an entry in ClinVar:

ClinVar aggregate classification (germline): Benign. Review status: criteria provided, multiple submitters, no conflicts (2 of 4 stars). 2 submissions from 2 submitters: Benign (2). Last evaluated 2018-06-18.

Allele frequency attached by ClinVar (database versions not stated): gnomAD 0.44332 and 0.44580; TOPMed 0.44744; 1000 Genomes Project 30x 0.45378; 1000 Genomes Project 0.45447; gnomAD exomes 0.48746.
gnomAD v4.1: 244,943 of 515,488 alleles (48%); highest among the groups gnomAD compares: East Asian, 63%; 60,235 homozygotes.

Submissions (2):

GeneDx
Classification: Benign. Last evaluated: 2018-06-18. Review status: criteria provided, single submitter. Criteria: GeneDx Variant Classification (06012015). Collection method: clinical testing. Allele origin: germline. Affected: yes.
Comment: This variant is considered likely benign or benign based on one or more of the following criteria: it is a conservative change, it occurs at a poorly conserved position in the protein, it is predicted to be benign by multiple in silico algorithms, and/or has population frequency not consistent with disease.

Breakthrough Genomics
Classification: Benign. Review status: criteria provided, single submitter. Criteria: ACMG Guidelines, 2015. Collection method: not provided. Allele origin: germline. Inheritance: Autosomal dominant inheritance. Affected: yes.

NM_030662.4(MAP2K2):c.1047-279C>T

Gene: MAP2K2 (mitogen-activated protein kinase kinase 2; minus strand). Cytogenetic location: 19p13.3.
Variant type: single nucleotide variant.
Coding change: c.1047-279C>T on transcript NM_030662.4 (MANE Select); 279 bases into the intron before coding-DNA position 1047, C replaced by T.
Molecular consequence: intron variant.
Genome position (GRCh38, 1-based): chr19:4,094,777, G>A on the plus strand (C>T on the coding strand, the complement: MAP2K2 is on the minus strand). VCF-style: chr19-4094777-G-A. GRCh37 (hg19) VCF-style: chr19-4094775-G-A.
Identifiers: ClinVar variation 561820 (VCV000561820.2), dbSNP rs350916, ClinGen allele CA14695520.
Genomic context (GRCh38, chr19:4,094,777, plus strand): 5'-GCGGGAGGGTGAGAGGGAAAGAGGGTGGGAAACCCCGCCTGGTGGGTCAGAAGCCTGGAC[G>A]CAACCCCAGCTAACTGTCTAATAAAACCCCAGGCCCGGGGCAACATCGCCGGAGCGCACG-3'